The following is an entry in ClinVar:

NM_005188.4(CBL):c.26C>T (p.Ser9Phe)

Genes: CBL (Cbl proto-oncogene; plus strand), LOC130006895 (ATAC-STARR-seq lymphoblastoid silent region 3975; plus strand). Cytogenetic location: 11q23.3.
Variant type: single nucleotide variant.
Coding change: c.26C>T on transcript NM_005188.4 (MANE Select); coding-DNA position 26, C replaced by T.
Protein change: p.Ser9Phe; replaces serine 9 with phenylalanine.
Molecular consequence: missense variant.
Genome position (GRCh38, 1-based): chr11:119,206,443, C>T. VCF-style: chr11-119206443-C-T. GRCh37 (hg19) VCF-style: chr11-119077153-C-T.
Other names: c.26C>T (NM_005188.2); short protein forms S9F.
Identifiers: ClinVar variation 2414588 (VCV002414588.10), dbSNP rs772525018, ClinGen allele CA6318212.

ClinVar aggregate classification (germline): Uncertain significance. Review status: criteria provided, multiple submitters, no conflicts (2 of 4 stars). 4 submissions from 4 submitters: Uncertain significance (4). Last evaluated 2025-10-23.

Conditions:
Cardiovascular phenotype. Identifiers: MedGen CN230736.
RASopathy. Also called: rasopathies; Noonan spectrum disorder. Identifiers: Orphanet 536391, MedGen C5555857, MONDO:0021060.
CBL-related disorder. Also called: NOONAN SYNDROME-LIKE DISORDER WITHOUT JUVENILE MYELOMONOCYTIC LEUKEMIA; CBL MUTATION-ASSOCIATED SYNDROME; CBL SYNDROME. Identifiers: Orphanet 363972, MedGen C3150803, MONDO:0013308, OMIM 613563.

Allele frequency attached by ClinVar (database versions not stated): gnomAD 0.00001; TOPMed 0.00002.
gnomAD v4.1: 3 of 1,578,676 alleles (0.00019%); highest among the groups gnomAD compares: African/African-American, 0.0013%; no homozygotes.

Submissions (4):

Labcorp Genetics (formerly Invitae), Labcorp
Classification: Uncertain significance for RASopathy. Last evaluated: 2025-10-23. Review status: criteria provided, single submitter. Criteria: Invitae Variant Classification Sherloc (09022015). Collection method: clinical testing. Allele origin: germline.
Comment: This sequence change replaces serine, which is neutral and polar, with phenylalanine, which is neutral and non-polar, at codon 9 of the CBL protein (p.Ser9Phe). This variant is present in population databases (rs772525018, gnomAD 0.01%). This variant has not been reported in the literature in individuals affected with CBL-related conditions. ClinVar contains an entry for this variant (Variation ID: 2414588). Invitae Evidence Modeling of protein sequence and biophysical properties (such as structural, functional, and spatial information, amino acid conservation, physicochemical variation, residue mobility, and thermodynamic stability) indicates that this missense variant is not expected to disrupt CBL protein function with a negative predictive value of 95%. In summary, the available evidence is currently insufficient to determine the role of this variant in disease. Therefore, it has been classified as a Variant of Uncertain Significance.

PreventionGenetics, part of Exact Sciences
Classification: Uncertain significance for CBL-related condition. Last evaluated: 2025-06-25. Review status: criteria provided, single submitter. Criteria: ACMG Guidelines, 2015. Collection method: clinical testing. Allele origin: germline.
Comment: The CBL c.26C>T variant is predicted to result in the amino acid substitution p.Ser9Phe. To our knowledge, this variant has not been reported in the literature. This variant is reported in 0.0096% of alleles in individuals of African descent in gnomAD. At this time, the clinical significance of this variant is uncertain due to the absence of conclusive functional and genetic evidence.

Ambry Genetics
Classification: Uncertain significance for Cardiovascular phenotype. Last evaluated: 2025-01-09. Review status: criteria provided, single submitter. Criteria: Ambry Variant Classification Scheme 2023. Collection method: clinical testing. Allele origin: germline.
Comment: The p.S9F variant (also known as c.26C>T), located in coding exon 1 of the CBL gene, results from a C to T substitution at nucleotide position 26. The serine at codon 9 is replaced by phenylalanine, an amino acid with highly dissimilar properties. This amino acid position is conserved. In addition, the in silico prediction for this alteration is inconclusive. Based on the available evidence, the clinical significance of this variant remains unclear.

GeneDx
Classification: Uncertain significance. Last evaluated: 2024-11-26. Review status: criteria provided, single submitter. Criteria: GeneDx Variant Classification Process June 2021. Collection method: clinical testing. Allele origin: germline. Affected: yes.
Comment: In silico analysis indicates that this missense variant does not alter protein structure/function; Has not been previously published as pathogenic or benign to our knowledge; This variant is associated with the following publications: (PMID: 18034775)